The following is an entry in ClinVar:

ClinVar aggregate classification (germline): Conflicting classifications of pathogenicity. Review status: criteria provided, conflicting classifications (1 of 4 stars). 5 submissions from 5 submitters: Likely pathogenic (1); Uncertain significance (3). 1 of the submissions does not count toward it. Last evaluated 2024-04-04.

Conditions:
Renal carnitine transport defect (CDSP). Also called: Primary carnitine deficiency; Systemic primary carnitine deficiency; Systemic primary carnitine deficiency disease; CARNITINE DEFICIENCY, SYSTEMIC, DUE TO DEFECT IN RENAL REABSORPTION OF CARNITINE; CARNITINE TRANSPORTER, PLASMA-MEMBRANE, DEFICIENCY OF; CARNITINE UPTAKE DEFECT. Identifiers: Orphanet 158, MedGen C0342788, MONDO:0008919, OMIM 212140.

Submissions (5):

Women's Health and Genetics/Laboratory Corporation of America, LabCorp
Classification: Uncertain significance. Last evaluated: 2024-04-04. Review status: criteria provided, single submitter. Criteria: LabCorp Variant Classification Summary - May 2015. Collection method: clinical testing. Allele origin: germline.
Comment: Variant summary: SLC22A5 c.1078_1083dupGGGCTT (p.Gly360_Leu361dup) results in an in-frame duplication that is predicted to duplicate two amino acids into the encoded protein. The variant allele was found at a frequency of 4e-06 in 251484 control chromosomes. The available data on variant occurrences in the general population are insufficient to allow any conclusion about variant significance. To our knowledge, no occurrence of c.1078_1083dupGGGCTT in individuals affected with Systemic Primary Carnitine Deficiency and no experimental evidence demonstrating its impact on protein function have been reported. ClinVar contains an entry for this variant (Variation ID: 372506). Based on the evidence outlined above, the variant was classified as uncertain significance.

GeneDx
Classification: Likely pathogenic. Last evaluated: 2022-12-28. Review status: criteria provided, single submitter. Criteria: GeneDx Variant Classification Process June 2021. Collection method: clinical testing. Allele origin: germline. Affected: yes.
Comment: Has not been previously published as pathogenic or benign to our knowledge; Not observed at a significant frequency in large population cohorts (gnomAD); In-frame duplication of 2 amino acids in a non-repeat region

Labcorp Genetics (formerly Invitae), Labcorp
Classification: Uncertain significance for Renal carnitine transport defect. Last evaluated: 2022-06-12. Review status: criteria provided, single submitter. Criteria: Invitae Variant Classification Sherloc (09022015). Collection method: clinical testing. Allele origin: germline.
Comment: This variant, c.1078_1083dup, results in the insertion of 2 amino acid(s) of the SLC22A5 protein (p.Gly360_Leu361dup), but otherwise preserves the integrity of the reading frame. This variant is present in population databases (no rsID available, gnomAD no frequency). This variant has not been reported in the literature in individuals affected with SLC22A5-related conditions. ClinVar contains an entry for this variant (Variation ID: 372506). Experimental studies and prediction algorithms are not available or were not evaluated, and the functional significance of this variant is currently unknown. In summary, the available evidence is currently insufficient to determine the role of this variant in disease. Therefore, it has been classified as a Variant of Uncertain Significance.

Genome-Nilou Lab
Classification: Uncertain significance for Renal carnitine transport defect. Last evaluated: 2021-07-15. Review status: criteria provided, single submitter. Criteria: ACMG Guidelines, 2015. Collection method: clinical testing. Allele origin: germline. Affected: no.

Counsyl
Classification: Uncertain significance for Renal carnitine transport defect. Last evaluated: 2017-11-22. Review status: no assertion criteria provided. Collection method: clinical testing. Allele origin: unknown. Not counted in ClinVar's aggregate classification.

NM_003060.4(SLC22A5):c.1078_1083dup (p.Gly360_Leu361dup)

Gene: SLC22A5 (solute carrier family 22 member 5; plus strand). Cytogenetic location: 5q31.1.
Variant type: Duplication.
Coding change: c.1078_1083dup on transcript NM_003060.4 (MANE Select); coding-DNA positions 1078 to 1083, 6 bases duplicated (GGGCTT; older notation c.1078_1083dupGGGCTT).
Protein change: p.Gly360_Leu361dup.
Molecular consequence: inframe insertion.
Genome position (GRCh38, 1-based): chr5:132,390,715-132,390,720, GGGCTT duplicated; duplicating any 6 consecutive bases within chr5:132,390,713-132,390,720 gives the same sequence; the c. name uses the placement nearest the transcript's 3' end. VCF-style (leftmost placement, unchanged base first): chr5-132390712-T-TTTGGGC. GRCh37 (hg19) VCF-style: chr5-131726404-T-TTTGGGC.
Other names: c.1078_1083dupGGGCTT (NM_003060.3, NM_003060.4); c.1150_1155dup, p.Gly384_Leu385dup (NM_001308122.2); c.1078_1083dup6 (NM_003060.3).
Identifiers: ClinVar variation 372506 (VCV000372506.10), dbSNP rs896634334, ClinGen allele CA16042585.
Genomic context (GRCh38, chr5:132,390,712, plus strand): 5'-ATACTGCTTTTCCAGCTTTCTTCTGCACTCTGTTTCAGGATGACCATATCAGTGGGCTAT[T>TTTGGGC]TTGGGCTTTCGCTTGATACTCCTAACTTGCATGGGGACATCTTTGTGAACTGCTTCCTTT-3'